The following is an entry in ClinVar:

NM_007294.4(BRCA1):c.5278-457A>G

Gene: BRCA1 (BRCA1 DNA repair associated; minus strand). Cytogenetic location: 17q21.31.
Variant type: single nucleotide variant.
Coding change: c.5278-457A>G on transcript NM_007294.4 (MANE Select); 457 bases into the intron before coding-DNA position 5278, A replaced by G.
Molecular consequence: intron variant.
Genome position (GRCh38, 1-based): chr17:43,051,574, T>C on the plus strand (A>G on the coding strand, the complement: BRCA1 is on the minus strand). VCF-style: chr17-43051574-T-C. GRCh37 (hg19) VCF-style: chr17-41203591-T-C.
Other names: IVS 20-457A>G; c.5278-457A>G (NM_001407598.1, NM_001407596.1, NM_001407602.1 and 6 more transcripts); c.1753-457A>G (NM_001408492.1, NM_001408493.1); c.1822-457A>G (NM_001408468.1, NM_001408470.1, NM_001408469.1); c.5131-457A>G (NM_001407842.1, NM_001407846.1, NM_001407850.1 and 12 more transcripts); c.5134-457A>G (NM_001407749.1, NM_001407943.1, NM_001407748.1 and 21 more transcripts); c.1705-457A>G (NM_001408501.1, NM_001408500.1, NM_001408497.1 and 3 more transcripts); c.1828-457A>G (NM_001408455.1, NM_001408452.1, NM_001408457.1 and 3 more transcripts); and 75 more.
Identifiers: ClinVar variation 209260 (VCV000209260.2), dbSNP rs8176296, ClinGen allele CA276232.
Genomic context (GRCh38, chr17:43,051,574, plus strand): 5'-AACTCAAAGTTATTGGCTGAAGTTTGATGTTTATCCAGACTTGGTACCTCAAGTACTCAC[T>C]ATGACCCCATCAACAGAGGGGTCTATGTTGATTTTAGGTGTACATGCTCCTTGTCTCCTC-3'

ClinVar aggregate classification (germline): Benign (3 of 4 stars; one submission).

Conditions:
Breast-ovarian cancer, familial, susceptibility to, 1 (BROVCA1). Also called: BRCA1 Hereditary Breast and Ovarian Cancer; OVARIAN CANCER, SUSCEPTIBILITY TO. Identifiers: Orphanet 145, MedGen C2676676, MONDO:0011450, OMIM 604370. Disease mechanism: loss of function.

Allele frequency attached by ClinVar (database versions not stated): TOPMed 0.29165; gnomAD 0.30299 and 0.31020; 1000 Genomes Project 30x 0.33542; 1000 Genomes Project 0.34285.
gnomAD v4.1: 47,155 of 151,942 alleles (31%); highest among the groups gnomAD compares: South Asian, 49%; 7,693 homozygotes.

Submission:

Evidence-based Network for the Interpretation of Germline Mutant Alleles (ENIGMA)
Classification: Benign for Breast-ovarian cancer, familial 1. Last evaluated: 2015-01-12. Review status: reviewed by expert panel. Criteria: ENIGMA BRCA1/2 Classification Criteria (2015). Collection method: curation. Allele origin: germline.
Comment: Class 1 not pathogenic based on frequency >1% in an outbred sampleset. Frequency 0.3304 (Asian), 0.2154 (African), 0.3602 (European), derived from 1000 genomes (2012-04-30).